The following is an entry in ClinVar:

NM_025114.4(CEP290):c.7089A>T (p.Glu2363Asp)

Gene: CEP290 (centrosomal protein 290; minus strand). Cytogenetic location: 12q21.32.
Variant type: single nucleotide variant.
Coding change: c.7089A>T on transcript NM_025114.4 (MANE Select); coding-DNA position 7089, A replaced by T.
Protein change: p.Glu2363Asp; replaces glutamic acid 2363 with aspartic acid.
Molecular consequence: missense variant.
Genome position (GRCh38, 1-based): chr12:88,053,692, T>A on the plus strand (A>T on the coding strand, the complement: CEP290 is on the minus strand). VCF-style: chr12-88053692-T-A. GRCh37 (hg19) VCF-style: chr12-88447469-T-A.
Other names: short protein forms E2363D.
Identifiers: ClinVar variation 4917817 (VCV004917817.2).

ClinVar aggregate classification (germline): Uncertain significance. Review status: criteria provided, multiple submitters, no conflicts (2 of 4 stars). 2 submissions from 2 submitters: Uncertain significance (2). Last evaluated 2026-04-30.

Conditions:
CEP290-related ciliopathy. Also called: CEP290 ciliopathy. Identifiers: MedGen CN305601, MONDO:0100451.

gnomAD v4.1: 8 of 1,555,298 alleles (0.00051%); highest among the groups gnomAD compares: Non-Finnish European, 0.0007%; no homozygotes.

Submissions (2):

Myriad Genetics, Inc.
Classification: Uncertain significance for CEP290-related ciliopathy. Last evaluated: 2026-04-30. Review status: criteria provided, single submitter. Criteria: Myriad Autosomal Dominant, Autosomal Recessive and X-Linked Classification Criteria (2023). Collection method: clinical testing. Allele origin: unknown.
Comment: NM_025114.3(CEP290):c.7089A>T(E2363D) is a missense variant classified as a variant of uncertain significance in the context of CEP290-related disorders. E2363D has not been observed in cases with relevant disease. Relevant functional assessments of this variant are not available in the literature. E2363D has not been observed in referenced population frequency databases. In summary, there is insufficient evidence to classify NM_025114.3(CEP290):c.7089A>T(E2363D) as pathogenic or benign. Please note: this variant was assessed in the context of healthy population screening.

Blueprint Genetics
Classification: Uncertain significance. Last evaluated: 2018-08-16. Review status: criteria provided, single submitter. Criteria: ACMG Guidelines, 2015. Collection method: clinical testing. Allele origin: germline.